The following is an entry in ClinVar:

ClinVar aggregate classification (germline): Uncertain significance. Review status: criteria provided, multiple submitters, no conflicts (2 of 4 stars). 3 submissions from 3 submitters: Uncertain significance (3). Last evaluated 2024-02-06.

Conditions:
Hereditary cancer-predisposing syndrome. Also called: Neoplastic Syndromes, Hereditary; Tumor predisposition; Hereditary Cancer Syndrome; Hereditary neoplastic syndrome. Identifiers: Orphanet 140162, MedGen C0027672, MeSH D009386, MONDO:0015356.
Familial adenomatous polyposis 1 (FAP1). Also called: FAMILIAL ADENOMATOUS POLYPOSIS 1, ATTENUATED; POLYPOSIS, ADENOMATOUS INTESTINAL. Identifiers: MedGen C2713442, MONDO:0021056, OMIM 175100. Disease mechanism: loss of function.

Allele frequency attached by ClinVar (database versions not stated): TOPMed 0.00002.

Submissions (3):

Ambry Genetics
Classification: Uncertain significance for Hereditary cancer-predisposing syndrome. Last evaluated: 2024-02-06. Review status: criteria provided, single submitter. Criteria: Ambry Variant Classification Scheme 2023. Collection method: clinical testing. Allele origin: germline.
Comment: The p.A440P variant (also known as c.1318G>C), located in coding exon 10 of the APC gene, results from a G to C substitution at nucleotide position 1318. The alanine at codon 440 is replaced by proline, an amino acid with highly similar properties. This amino acid position is not well conserved in available vertebrate species. In addition, in silico predictors for this gene do not accurately predict pathogenicity. Since supporting evidence is limited at this time, the clinical significance of this alteration remains unclear.

Mendelics
Classification: Uncertain significance. Last evaluated: 2022-05-04. Review status: criteria provided, single submitter. Criteria: Mendelics Assertion Criteria 2019. Collection method: clinical testing. Allele origin: germline.

Labcorp Genetics (formerly Invitae), Labcorp
Classification: Uncertain significance for Familial adenomatous polyposis 1. Last evaluated: 2018-11-16. Review status: criteria provided, single submitter. Criteria: Invitae Variant Classification Sherloc (09022015). Collection method: clinical testing. Allele origin: germline.
Comment: This sequence change replaces alanine with proline at codon 440 of the APC protein (p.Ala440Pro). The alanine residue is highly conserved and there is a small physicochemical difference between alanine and proline. This variant is not present in population databases (ExAC no frequency). In summary, the available evidence is currently insufficient to determine the role of this variant in disease. Therefore, it has been classified as a Variant of Uncertain Significance. Algorithms developed to predict the effect of missense changes on protein structure and function are either unavailable or do not agree on the potential impact of this missense change (SIFT: "Deleterious"; PolyPhen-2: "Benign"; Align-GVGD: "Class C0"). This variant has not been reported in the literature in individuals with APC-related disease. ClinVar contains an entry for this variant (Variation ID: 482487).

NM_000038.6(APC):c.1318G>C (p.Ala440Pro)

Gene: APC (APC regulator of Wnt signaling pathway; plus strand). Cytogenetic location: 5q22.2.
Variant type: single nucleotide variant.
Coding change: c.1318G>C on transcript NM_000038.6 (MANE Select); coding-DNA position 1318, G replaced by C.
Protein change: p.Ala440Pro; replaces alanine 440 with proline.
Molecular consequence: missense variant.
Genome position (GRCh38, 1-based): chr5:112,821,901, G>C. VCF-style: chr5-112821901-G-C. GRCh37 (hg19) VCF-style: chr5-112157598-G-C.
Other names: c.1318G>C, p.Ala440Pro (NM_001127510.3, NM_001354895.2, NM_001354896.2); c.1264G>C, p.Ala422Pro (NM_001127511.3); c.1348G>C, p.Ala450Pro (NM_001354897.2); c.1243G>C, p.Ala415Pro (NM_001354898.2); c.1234G>C, p.Ala412Pro (NM_001354899.2); c.1141G>C, p.Ala381Pro (NM_001354900.2, NM_001354901.2); c.1045G>C, p.Ala349Pro (NM_001354902.2); c.1015G>C, p.Ala339Pro (NM_001354903.2); and 3 more; short protein forms A440P, A422P, A157P, A412P, A280P, A339P, A381P, A415P.
Identifiers: ClinVar variation 482487 (VCV000482487.16), dbSNP rs1064793023, ClinGen allele CA16024192.